The following is an entry in ClinVar:

NM_001267550.2(TTN):c.14314dup (p.Cys4772fs)

Gene: TTN (titin; minus strand). Cytogenetic location: 2q31.2.
Variant type: Duplication.
Coding change: c.14314dup on transcript NM_001267550.2 (MANE Select); coding-DNA position 14314, one base duplicated (T; older notation c.14314dupT).
Protein change: p.Cys4772fs; shifts the reading frame from cysteine 4772.
Molecular consequence: frameshift variant.
Genome position (GRCh38, 1-based): chr2:178,738,139, A duplicated on the plus strand (T on the coding strand, the reverse complement: TTN is on the minus strand). VCF-style (leftmost placement, unchanged base first): chr2-178738138-C-CA. GRCh37 (hg19) VCF-style: chr2-179602865-C-CA.
Other names: c.13363dup, p.Cys4455fs (NM_001256850.1); c.13225dup, p.Cys4409fs (NM_003319.4); c.10582dup, p.Cys3528fs (NM_133378.4); c.13600dup, p.Cys4534fs (NM_133432.3); c.13801dup, p.Cys4601fs (NM_133437.4); short protein forms C3528fs, C4409fs, C4455fs, C4534fs, C4601fs, C4772fs.
Identifiers: ClinVar variation 3066457 (VCV003066457.1), dbSNP rs2530527267, ClinGen allele CA2740098035.

ClinVar aggregate classification (germline): Likely pathogenic (1 of 4 stars; one submission).

Conditions:
Dilated cardiomyopathy 1G (CMD1G). Identifiers: Orphanet 154, MedGen C1858763, MONDO:0011400, OMIM 604145.

Submission:

KardioGenetik, Herz- und Diabeteszentrum NRW
Classification: Likely pathogenic for Dilated cardiomyopathy 1G. Last evaluated: 2024-03-07. Review status: criteria provided, single submitter. Criteria: ACMG Guidelines, 2015. Collection method: clinical testing. Allele origin: unknown. Affected: yes. Observed: 1 variant allele.
Comment: PM2